The following is an entry in ClinVar:

NM_001110556.2(FLNA):c.2268C>A (p.Asn756Lys)

Gene: FLNA (filamin A; minus strand). Cytogenetic location: Xq28.
Variant type: single nucleotide variant.
Coding change: c.2268C>A on transcript NM_001110556.2 (MANE Select); coding-DNA position 2268, C replaced by A.
Protein change: p.Asn756Lys; replaces asparagine 756 with lysine.
Molecular consequence: missense variant.
Genome position (GRCh38, 1-based): chrX:154,364,034, G>T on the plus strand (C>A on the coding strand, the complement: FLNA is on the minus strand). VCF-style: chrX-154364034-G-T. GRCh37 (hg19) VCF-style: chrX-153592402-G-T.
Other names: c.2268C>A, p.Asn756Lys (NM_001456.4); short protein forms N756K.
Identifiers: ClinVar variation 1311081 (VCV001311081.2), dbSNP rs1224648230, ClinGen allele CA415237640.

ClinVar aggregate classification (germline): Uncertain significance (1 of 4 stars; one submission).

Submission:

GeneDx
Classification: Uncertain significance. Last evaluated: 2021-02-18. Review status: criteria provided, single submitter. Criteria: GeneDx Variant Classification Process June 2021. Collection method: clinical testing. Allele origin: germline. Affected: yes.
Comment: Not observed in large population cohorts (Lek et al., 2016); In silico analysis supports that this missense variant does not alter protein structure/function; Has not been previously published as pathogenic or benign to our knowledge